The following is an entry in ClinVar:

NM_004423.4(DVL3):c.218G>A (p.Arg73Gln)

Gene: DVL3 (dishevelled segment polarity protein 3; plus strand). Cytogenetic location: 3q27.1.
Variant type: single nucleotide variant.
Coding change: c.218G>A on transcript NM_004423.4 (MANE Select); coding-DNA position 218, G replaced by A.
Protein change: p.Arg73Gln; replaces arginine 73 with glutamine.
Molecular consequence: missense variant.
Genome position (GRCh38, 1-based): chr3:184,163,713, G>A. VCF-style: chr3-184163713-G-A. GRCh37 (hg19) VCF-style: chr3-183881501-G-A.
Other names: short protein forms R73Q.
Identifiers: ClinVar variation 2635126 (VCV002635126.1), dbSNP rs753395619, ClinGen allele CA2727004.

ClinVar aggregate classification (germline): Uncertain significance (1 of 4 stars; one submission).

Conditions:
DVL3-related disorder. Also called: DVL3-related condition.

Allele frequency attached by ClinVar (database versions not stated): ExAC 0.00001.

Submission:

PreventionGenetics, part of Exact Sciences
Classification: Uncertain significance for DVL3-related condition. Last evaluated: 2022-11-11. Review status: criteria provided, single submitter. Criteria: ACMG Guidelines, 2015. Collection method: clinical testing. Allele origin: germline.
Comment: The DVL3 c.218G>A variant is predicted to result in the amino acid substitution p.Arg73Gln. To our knowledge, this variant has not been reported in the literature. This variant is reported in 0.00088% of alleles in individuals of European (Non-Finnish) descent in gnomAD. At this time, the clinical significance of this variant is uncertain due to the absence of conclusive functional and genetic evidence.